The following is an entry in ClinVar:

ClinVar aggregate classification (germline): Uncertain significance (1 of 4 stars; one submission).

Submission:

Ambry Genetics
Classification: Uncertain significance. Last evaluated: 2026-04-15. Review status: criteria provided, single submitter. Criteria: Ambry Variant Classification Scheme 2023. Collection method: clinical testing. Allele origin: germline.
Comment: The p.G262A variant (also known as c.785G>C), located in coding exon 7 of the KIF1B gene, results from a G to C substitution at nucleotide position 785. The glycine at codon 262 is replaced by alanine, an amino acid with similar properties. This amino acid position is conserved. In addition, this alteration is predicted to be deleterious by in silico analysis. Based on the available evidence, the clinical significance of this variant remains unclear.

NM_001365951.3(KIF1B):c.785G>C (p.Gly262Ala)

Gene: KIF1B (kinesin family member 1B; plus strand). Cytogenetic location: 1p36.22.
Variant type: single nucleotide variant.
Coding change: c.785G>C on transcript NM_001365951.3 (MANE Select); coding-DNA position 785, G replaced by C.
Protein change: p.Gly262Ala; replaces glycine 262 with alanine.
Molecular consequence: missense variant.
Genome position (GRCh38, 1-based): chr1:10,271,566, G>C. VCF-style: chr1-10271566-G-C. GRCh37 (hg19) VCF-style: chr1-10331624-G-C.
Other names: c.785G>C, p.Gly262Ala (NM_001365952.1, NM_001365953.1, NM_015074.3 and 1 more transcripts); short protein forms G262A.
Identifiers: ClinVar variation 4858806 (VCV004858806.1).